The following is an entry in ClinVar:

ClinVar aggregate classification (germline): Likely benign (1 of 4 stars; one submission).

Allele frequency attached by ClinVar (database versions not stated): 1000 Genomes Project 30x 0.00062; ESP Exome Variant Server 0.00092; TOPMed 0.00122; ExAC 0.00274; gnomAD 0.00326; 1000 Genomes Project 0.00060.
gnomAD v4.1: 3,546 of 1,607,830 alleles (0.22%); highest among the groups gnomAD compares: Non-Finnish European, 0.16%; 38 homozygotes.

Submission:

CeGaT Center for Human Genetics Tuebingen
Classification: Likely benign. Last evaluated: 2023-01-01. Review status: criteria provided, single submitter. Criteria: CeGaT Center For Human Genetics Tuebingen Variant Classification Criteria Version 2. Collection method: clinical testing. Allele origin: germline. Affected: yes. Observed: 1 variant allele.
Comment: PPL: BP4

NM_002705.5(PPL):c.2825C>T (p.Pro942Leu)

Gene: PPL (periplakin; minus strand). Cytogenetic location: 16p13.3.
Variant type: single nucleotide variant.
Coding change: c.2825C>T on transcript NM_002705.5 (MANE Select); coding-DNA position 2825, C replaced by T.
Protein change: p.Pro942Leu; replaces proline 942 with leucine.
Molecular consequence: missense variant.
Genome position (GRCh38, 1-based): chr16:4,885,830, G>A on the plus strand (C>T on the coding strand, the complement: PPL is on the minus strand). VCF-style: chr16-4885830-G-A. GRCh37 (hg19) VCF-style: chr16-4935831-G-A.
Other names: short protein forms P942L.
Identifiers: ClinVar variation 2646166 (VCV002646166.24), dbSNP rs142210645, ClinGen allele CA7885916.